The following is an entry in ClinVar:

NM_014159.7(SETD2):c.5948A>C (p.Glu1983Ala)

Gene: SETD2 (SET domain containing 2, histone lysine methyltransferase; minus strand). Cytogenetic location: 3p21.31.
Variant type: single nucleotide variant.
Coding change: c.5948A>C on transcript NM_014159.7 (MANE Select); coding-DNA position 5948, A replaced by C.
Protein change: p.Glu1983Ala; replaces glutamic acid 1983 with alanine.
Molecular consequence: missense variant. On other transcripts: non-coding transcript variant (1).
Genome position (GRCh38, 1-based): chr3:47,083,832, T>G on the plus strand (A>C on the coding strand, the complement: SETD2 is on the minus strand). VCF-style: chr3-47083832-T-G. GRCh37 (hg19) VCF-style: chr3-47125322-T-G.
Other names: c.5816A>C, p.Glu1939Ala (NM_001349370.3); short protein forms E1939A, E1983A.
Identifiers: ClinVar variation 4755623 (VCV004755623.1).
Genomic context (GRCh38, chr3:47,083,832, plus strand): 5'-ACTGTTTTATCTGGCTGTTCTTGGCTCCTTTCACTCTCCACATCAGACACACCCTCCTCT[T>G]CATCTTGGGATGGTGTTTCTTCATTAATAGGTTCTTCTAGTTTTGTGCCGTTGCTCTCTT-3'
Protein context (NP_054878.5, residues 1973-1993): PINEETPSQD[Glu1983Ala]EEGVSDVESE

ClinVar aggregate classification (germline): Uncertain significance (1 of 4 stars; one submission).

Submission:

GeneDx
Classification: Uncertain significance. Last evaluated: 2025-08-07. Review status: criteria provided, single submitter. Criteria: GeneDx Variant Classification Process June 2021. Collection method: clinical testing. Allele origin: germline. Affected: yes.
Comment: Not observed at significant frequency in large population cohorts (gnomAD); In silico analysis suggests that this missense variant does not alter protein structure/function; Has not been previously published as pathogenic or benign to our knowledge